The following is an entry in ClinVar:

ClinVar aggregate classification (germline): Uncertain significance. Review status: criteria provided, multiple submitters, no conflicts (2 of 4 stars). 2 submissions from 2 submitters: Uncertain significance (2). Last evaluated 2024-08-26.

Conditions:
Gorlin syndrome. Also called: Basal cell nevus syndrome; Nevoid Basal Cell Carcinoma Syndrome. Identifiers: Orphanet 377, MedGen C0004779, MONDO:0007187.
Hereditary cancer-predisposing syndrome. Also called: Tumor predisposition; Hereditary neoplastic syndrome; Neoplastic Syndromes, Hereditary; Hereditary Cancer Syndrome. Identifiers: Orphanet 140162, MedGen C0027672, MeSH D009386, MONDO:0015356.

Allele frequency attached by ClinVar (database versions not stated): gnomAD exomes below 0.00001.
gnomAD v4.1: 1 of 1,614,062 alleles (0.000062%); highest among the groups gnomAD compares: Admixed American, 0.0017%; no homozygotes.

Submissions (2):

Labcorp Genetics (formerly Invitae), Labcorp
Classification: Uncertain significance for Gorlin syndrome. Last evaluated: 2024-08-26. Review status: criteria provided, single submitter. Criteria: Invitae Variant Classification Sherloc (09022015). Collection method: clinical testing. Allele origin: germline.
Comment: This sequence change replaces glutamic acid, which is acidic and polar, with alanine, which is neutral and non-polar, at codon 208 of the PTCH1 protein (p.Glu208Ala). This variant is not present in population databases (gnomAD no frequency). This variant has not been reported in the literature in individuals affected with PTCH1-related conditions. ClinVar contains an entry for this variant (Variation ID: 1521153). Invitae Evidence Modeling of protein sequence and biophysical properties (such as structural, functional, and spatial information, amino acid conservation, physicochemical variation, residue mobility, and thermodynamic stability) indicates that this missense variant is not expected to disrupt PTCH1 protein function with a negative predictive value of 95%. In summary, the available evidence is currently insufficient to determine the role of this variant in disease. Therefore, it has been classified as a Variant of Uncertain Significance.

Ambry Genetics
Classification: Uncertain significance for Hereditary cancer-predisposing syndrome. Last evaluated: 2024-04-14. Review status: criteria provided, single submitter. Criteria: Ambry Variant Classification Scheme 2023. Collection method: clinical testing. Allele origin: germline.
Comment: The p.E208A variant (also known as c.623A>C), located in coding exon 4 of the PTCH1 gene, results from an A to C substitution at nucleotide position 623. The glutamic acid at codon 208 is replaced by alanine, an amino acid with dissimilar properties. This amino acid position is conserved. In addition, this alteration is predicted to be deleterious by in silico analysis. Based on the available evidence, the clinical significance of this variant remains unclear.

NM_000264.5(PTCH1):c.623A>C (p.Glu208Ala)

Gene: PTCH1 (patched 1; minus strand). Cytogenetic location: 9q22.32.
Variant type: single nucleotide variant.
Coding change: c.623A>C on transcript NM_000264.5 (MANE Select); coding-DNA position 623, A replaced by C.
Protein change: p.Glu208Ala; replaces glutamic acid 208 with alanine.
Molecular consequence: missense variant. On other transcripts: non-coding transcript variant (1).
Genome position (GRCh38, 1-based): chr9:95,482,165, T>G on the plus strand (A>C on the coding strand, the complement: PTCH1 is on the minus strand). VCF-style: chr9-95482165-T-G. GRCh37 (hg19) VCF-style: chr9-98244447-T-G.
Other names: c.623A>C (NM_000264.3); c.425A>C, p.Glu142Ala (NM_001083602.3, NM_001354919.2); c.620A>C, p.Glu207Ala (NM_001083603.3); c.170A>C, p.Glu57Ala (NM_001083604.3, NM_001083605.3, NM_001083606.3 and 1 more transcripts); c.623A>C, p.Glu208Ala (NM_001354918.2); short protein forms E208A, E207A, E57A, E142A.
Identifiers: ClinVar variation 1521153 (VCV001521153.9), dbSNP rs2118473498, ClinGen allele CA374115078.